The following is an entry in ClinVar:

NM_002439.5(MSH3):c.3401C>T (p.Ser1134Phe)

Gene: MSH3 (mutS homolog 3; plus strand). Cytogenetic location: 5q14.1.
Variant type: single nucleotide variant.
Coding change: c.3401C>T on transcript NM_002439.5 (MANE Select); coding-DNA position 3401, C replaced by T.
Protein change: p.Ser1134Phe; replaces serine 1134 with phenylalanine.
Molecular consequence: missense variant.
Genome position (GRCh38, 1-based): chr5:80,875,849, C>T. VCF-style: chr5-80875849-C-T. GRCh37 (hg19) VCF-style: chr5-80171668-C-T.
Other names: short protein forms S1134F.
Identifiers: ClinVar variation 838679 (VCV000838679.9), dbSNP rs1580106260, ClinGen allele CA360347494.
Genomic context (GRCh38, chr5:80,875,849, plus strand): 5'-ATAATGCACAAGACCTGCAGAAGTGGACAGAGGAGTTCAACATGGAAGAAACACAGACTT[C>T]TCTTCTTCATTAAAATGAAGACTACATTTGTGAACAAAAAATGGAGAATTAAAAATACCA-3'
Protein context (NP_002430.3, residues 1124-1137): EEFNMEETQT[Ser1134Phe]LLH

ClinVar aggregate classification (germline): Uncertain significance (1 of 4 stars; one submission).

Submission:

Labcorp Genetics (formerly Invitae), Labcorp
Classification: Uncertain significance. Last evaluated: 2022-03-23. Review status: criteria provided, single submitter. Criteria: Invitae Variant Classification Sherloc (09022015). Collection method: clinical testing. Allele origin: germline.
Comment: Algorithms developed to predict the effect of missense changes on protein structure and function (SIFT, PolyPhen-2, Align-GVGD) all suggest that this variant is likely to be tolerated. In summary, the available evidence is currently insufficient to determine the role of this variant in disease. Therefore, it has been classified as a Variant of Uncertain Significance. ClinVar contains an entry for this variant (Variation ID: 838679). This variant has not been reported in the literature in individuals affected with MSH3-related conditions. This variant is not present in population databases (gnomAD no frequency). This sequence change replaces serine, which is neutral and polar, with phenylalanine, which is neutral and non-polar, at codon 1134 of the MSH3 protein (p.Ser1134Phe).